The following is an entry in ClinVar:

NM_005263.5(GFI1):c.414C>A (p.Ser138Arg)

Gene: GFI1 (growth factor independent 1 transcriptional repressor; minus strand). Cytogenetic location: 1p22.1.
Variant type: single nucleotide variant.
Coding change: c.414C>A on transcript NM_005263.5 (MANE Select); coding-DNA position 414, C replaced by A.
Protein change: p.Ser138Arg; replaces serine 138 with arginine.
Molecular consequence: missense variant.
Genome position (GRCh38, 1-based): chr1:92,480,973, G>T on the plus strand (C>A on the coding strand, the complement: GFI1 is on the minus strand). VCF-style: chr1-92480973-G-T. GRCh37 (hg19) VCF-style: chr1-92946530-G-T.
Other names: c.414C>A, p.Ser138Arg (NM_001127215.3, NM_001127216.3); short protein forms S138R.
Identifiers: ClinVar variation 3853683 (VCV003853683.1).

ClinVar aggregate classification (germline): Uncertain significance (1 of 4 stars; one submission).

Submission:

Ambry Genetics
Classification: Uncertain significance. Last evaluated: 2025-01-13. Review status: criteria provided, single submitter. Criteria: Ambry Variant Classification Scheme 2023. Collection method: clinical testing. Allele origin: germline.
Comment: The p.S138R variant (also known as c.414C>A), located in coding exon 3 of the GFI1 gene, results from a C to A substitution at nucleotide position 414. The serine at codon 138 is replaced by arginine, an amino acid with dissimilar properties. This amino acid position is conserved. In addition, this alteration is predicted to be tolerated by in silico analysis. Based on the available evidence, the clinical significance of this variant remains unclear.